The following is an entry in ClinVar:

ClinVar aggregate classification (germline): Uncertain significance (1 of 4 stars; one submission).

Conditions:
Cardiovascular phenotype. Identifiers: MedGen CN230736.

gnomAD v4.1: 1 of 1,614,204 alleles (0.000062%); highest among the groups gnomAD compares: Non-Finnish European, 0.000085%; no homozygotes.

Submission:

Ambry Genetics
Classification: Uncertain significance for Cardiovascular phenotype. Last evaluated: 2026-08-31. Review status: criteria provided, single submitter. Criteria: Ambry Variant Classification Scheme 2023. Collection method: clinical testing. Allele origin: germline.
Comment: The p.R934K variant (also known as c.2801G>A), located in coding exon 16 of the SCN10A gene, results from a G to A substitution at nucleotide position 2801. The arginine at codon 934 is replaced by lysine, an amino acid with highly similar properties. This amino acid position is conserved. In addition, this alteration is predicted to be tolerated by in silico analysis. Based on the available evidence, the clinical significance of this variant remains unclear.

NM_006514.4(SCN10A):c.2801G>A (p.Arg934Lys)

Genes: SCN10A (sodium voltage-gated channel alpha subunit 10; minus strand), LOC110121288 (VISTA enhancer hs2268; plus strand). Cytogenetic location: 3p22.2.
Variant type: single nucleotide variant.
Coding change: c.2801G>A on transcript NM_006514.4 (MANE Select); coding-DNA position 2801, G replaced by A.
Protein change: p.Arg934Lys; replaces arginine 934 with lysine.
Molecular consequence: missense variant.
Genome position (GRCh38, 1-based): chr3:38,726,892, C>T on the plus strand (G>A on the coding strand, the complement: SCN10A is on the minus strand). VCF-style: chr3-38726892-C-T. GRCh37 (hg19) VCF-style: chr3-38768383-C-T.
Other names: c.2801G>A, p.Arg934Lys (NM_001293306.2); c.2507G>A, p.Arg836Lys (NM_001293307.2); short protein forms R934K, R836K.
Identifiers: ClinVar variation 5029098 (VCV005029098.1).
Genomic context (GRCh38, chr3:38,726,892, plus strand): 5'-GAGAGTGGGAGTTTCACCACCAGCTCAGGCTCTGCCTTGGGCTGGGGGAATGGGCAGGAC[C>T]TGCTGAAGAAGCTGCAAAGAGCCTGTTTGGTACGATGGCCAAAGACCTGGATCCGTGCCA-3'
Protein context (NP_006505.4, residues 924-944): TKQALCSFFS[Arg934Lys]SCPFPQPKAE